The following is an entry in ClinVar:

ClinVar aggregate classification (germline): Pathogenic (1 of 4 stars; one submission).

Conditions:
Fraser syndrome 1 (FRASRS1). Also called: CRYPTOPHTHALMOS WITH OTHER MALFORMATIONS. Identifiers: Orphanet 2052, MedGen C4551480, MONDO:0054737, OMIM 219000.

Allele frequency attached by ClinVar (database versions not stated): TOPMed below 0.00001; ExAC 0.00001; gnomAD 0.00001.
gnomAD v4.1: 7 of 1,612,688 alleles (0.00043%); highest among the groups gnomAD compares: Non-Finnish European, 0.00059%; no homozygotes.

Submission:

Service de Biochimie Médicale et Biologie Moléculaire, CHU Clermont-Ferrand
Classification: Pathogenic for Fraser syndrome 1. Last evaluated: 2018-09-14. Review status: criteria provided, single submitter. Criteria: ACMG Guidelines, 2015. Collection method: clinical testing. Allele origin: inherited. Inheritance: Autosomal recessive inheritance. Affected: yes.
Comment: This variant in homozygous state or compound heterozygous state induced Fraser syndrome phenotype

NM_025074.7(FRAS1):c.5134C>T (p.Arg1712Ter)

Gene: FRAS1 (Fraser extracellular matrix complex subunit 1; plus strand). Cytogenetic location: 4q21.21.
Variant type: single nucleotide variant.
Coding change: c.5134C>T on transcript NM_025074.7 (MANE Select); coding-DNA position 5134, C replaced by T.
Protein change: p.Arg1712Ter; replaces arginine 1712 with a stop codon.
Molecular consequence: nonsense.
Genome position (GRCh38, 1-based): chr4:78,432,521, C>T. VCF-style: chr4-78432521-C-T. GRCh37 (hg19) VCF-style: chr4-79353675-C-T.
Other names: c.5134C>T, p.Arg1712Ter (NM_001166133.2); short protein forms R1712*.
Identifiers: ClinVar variation 916646 (VCV000916646.1), dbSNP rs535527511, ClinGen allele CA2977427.